The following is an entry in ClinVar:

ClinVar aggregate classification (germline): Pathogenic. Review status: reviewed by expert panel (3 of 4 stars). 23 submissions from 23 submitters: Pathogenic (1). 22 of the submissions do not count toward it. Last evaluated 2013-09-05.

Conditions:
Hereditary nonpolyposis colon cancer (HNPCC). Also called: Hereditary Nonpolyposis Colorectal Cancer Syndrome; Hereditary nonpolyposis colorectal cancer; Familial nonpolyposis colon cancer. Identifiers: Orphanet 443909, MedGen C1333990, MONDO:0018630. Disease mechanism: loss of function.
Mismatch repair cancer syndrome 4. Identifiers: MedGen C5436817, MONDO:0030843, OMIM 619101.
Hereditary nonpolyposis colorectal neoplasms. Identifiers: MedGen C0009405, MeSH D003123.
Hereditary cancer-predisposing syndrome. Also called: Neoplastic Syndromes, Hereditary; Tumor predisposition; Hereditary Cancer Syndrome; Hereditary neoplastic syndrome. Identifiers: Orphanet 140162, MedGen C0027672, MeSH D009386, MONDO:0015356.
Lynch syndrome. Identifiers: Orphanet 144, MedGen C4552100, MONDO:0005835. Disease mechanism: loss of function.
Lynch syndrome 4 (LYNCH4). Also called: Colorectal cancer, hereditary nonpolyposis, type 4; Hereditary non-polyposis colorectal cancer, type 4. Identifiers: Orphanet 144, MedGen C1838333, MONDO:0013699, OMIM 614337. Disease mechanism: loss of function.

Allele frequency attached by ClinVar (database versions not stated): gnomAD exomes 0.00001 and 0.00002; TOPMed 0.00001; ExAC 0.00003.
gnomAD v4.1: 12 of 1,613,798 alleles (0.00074%); highest among the groups gnomAD compares: Admixed American, 0.0017%; no homozygotes.

Submissions 1 to 11 of 23:

International Society for Gastrointestinal Hereditary Tumours (InSiGHT)
Classification: Pathogenic for Lynch Syndrome. Last evaluated: 2013-09-05. Review status: reviewed by expert panel. Criteria: Guidelines v1.9. Collection method: research. Allele origin: germline.
Comment: Coding sequence variation resulting in a stop codon

Classified with v1.9 guidelines

Labcorp Genetics (formerly Invitae), Labcorp
Classification: Pathogenic for Hereditary nonpolyposis colorectal neoplasms. Last evaluated: 2026-01-23. Review status: criteria provided, single submitter. Criteria: Invitae Variant Classification Sherloc (09022015). Collection method: clinical testing. Allele origin: germline. Not counted in ClinVar's aggregate classification.
Comment: This sequence change creates a premature translational stop signal (p.Arg628*) in the PMS2 gene. It is expected to result in an absent or disrupted protein product. Loss-of-function variants in PMS2 are known to be pathogenic (PMID: 21376568, 24362816). This variant is present in population databases (rs63750451, gnomAD 0.006%). This premature translational stop signal has been observed in individual(s) with constitutional mismatch repair deficiency syndrome and Lynch syndrome (PMID: 16472587, 19283792, 25512458, 26110232, 27435373, 27589204). Invitae Evidence Modeling of clinical and family history, age, sex, and reported ancestry of multiple individuals with this PMS2 variant has been performed. This variant is expected to be pathogenic with a positive predictive value of at least 99%. This is a validated machine learning model that incorporates the clinical features of 1,627,235 individuals referred to our laboratory for PMS2 testing. ClinVar contains an entry for this variant (Variation ID: 9242). For these reasons, this variant has been classified as Pathogenic.

Dasa
Classification: Pathogenic. Last evaluated: 2025-12-08. Review status: criteria provided, single submitter. Criteria: DASA Assertion Criteria. Collection method: clinical testing. Allele origin: germline. Not counted in ClinVar's aggregate classification.
Comment: NM_000535.7(PMS2):c.1882C>T (p.Arg628*) introduces a premature termination codon predicted to result in loss of normal protein function. Loss-of-function is an established mechanism of disease for this gene. Segregation evidence has been reported in affected families. This variant has been recurrently observed in individuals with related phenotype (PMID: 19283792; PMID: 21376568; PMID: 16472587; PMID: 27435373). The variant is present at low frequency in population datasets. Based on the available data, this variant is classified as pathogenic.

Laboratorio de I+D, Fundación Centro Médico de Asturias
Classification: Pathogenic for Hereditary nonpolyposis colon cancer. Last evaluated: 2025-07-13. Review status: criteria provided, single submitter. Criteria: ACMG Guidelines, 2015. Collection method: clinical testing. Allele origin: germline. Affected: yes. Not counted in ClinVar's aggregate classification.
Comment: PVS1+PM2_Supporting+PP1

Department of Genetics, Rouen University Hospital, Normandy Center for Genomic and Personalized Medicine
Classification: Pathogenic for Mismatch repair cancer syndrome 4. Last evaluated: 2025-06-23. Review status: criteria provided, single submitter. Criteria: ACMG Guidelines, 2015. Collection method: clinical testing. Allele origin: maternal. Affected: yes. Not counted in ClinVar's aggregate classification.

CeGaT Center for Human Genetics Tuebingen
Classification: Pathogenic. Last evaluated: 2025-06-01. Review status: criteria provided, single submitter. Criteria: CeGaT Center For Human Genetics Tuebingen Variant Classification Criteria Version 2. Collection method: clinical testing. Allele origin: germline. Affected: yes. Observed: 1 variant allele. Not counted in ClinVar's aggregate classification.
Comment: PMS2: PVS1, PM2, PS4:Moderate

Color Diagnostics, LLC DBA Color Health
Classification: Pathogenic for Hereditary cancer-predisposing syndrome. Last evaluated: 2025-04-08. Review status: criteria provided, single submitter. Criteria: ACMG Guidelines, 2015. Collection method: clinical testing. Allele origin: germline. Not counted in ClinVar's aggregate classification.
Comment: This variant changes 1 nucleotide in exon 11 of the PMS2 gene, creating a premature translation stop signal. This variant is expected to result in an absent or non-functional protein product. This variant has been reported in multiple individuals affected with colorectal or endometrial cancer that exhibited microsatellite instability and loss of PMS2 proteins by immunohistochemistry analyses (PMID: 16472587, 18415027, 27589204, 34253388, 36931573). This variant has also been reported in individuals affected with breast cancer (PMID: 16472587, 29345684). This variant has been identified in 4/251434 chromosomes in the general population by the Genome Aggregation Database (gnomAD). Loss of PMS2 function is a known mechanism of disease. Based on the available evidence, this variant is classified as Pathogenic.

Ambry Genetics
Classification: Pathogenic for Hereditary cancer-predisposing syndrome. Last evaluated: 2025-01-29. Review status: criteria provided, single submitter. Criteria: Ambry Variant Classification Scheme 2023. Collection method: clinical testing. Allele origin: germline. Not counted in ClinVar's aggregate classification.
Comment: The p.R628* pathogenic mutation (also known as c.1882C>T), located in coding exon 11 of the PMS2 gene, results from a C to T substitution at nucleotide position 1882. This changes the amino acid from an arginine to a stop codon within coding exon 11. This mutation has been reported in several unrelated hereditary non-polyposis colorectal cancer (HNPCC)/Lynch syndrome patients and families; several with tumors demonstrating loss of PMS2 by immunohistochemistry (IHC) (Hendriks YM et al. Gastroenterology, 2006 Feb;130:312-22; van der Klift HM et al. Hum Mutat, 2010 May;31:578-87; Suerink M et al. Genet Med, 2016 Apr;18:405-9; Sugano K et al. Cancer Sci, 2016 Nov;107:1677-1686; Post CCB et al. J Natl Cancer Inst, 2021 Sep;113:1212-1220). This mutation has also been identified in two individuals with breast cancer undergoing multi-gene panel testing (Roberts ME et al. Genet. Med. 2018 10;20:1167-1174). In addition to the clinical data presented in the literature, this alteration is expected to result in loss of function by premature protein truncation or nonsense-mediated mRNA decay. As such, this alteration is interpreted as a disease-causing mutation.

Hereditary Cancer Laboratory, Hospital Universitario 12 de Octubre
Classification: Pathogenic for Hereditary cancer-predisposing syndrome. Last evaluated: 2024-03-06. Review status: criteria provided, single submitter. Criteria: ACMG Guidelines, 2015. Collection method: clinical testing. Allele origin: germline. Not counted in ClinVar's aggregate classification.
Comment: PVS1+PM2+PP5

Baylor Genetics
Classification: Pathogenic for Lynch syndrome 4. Last evaluated: 2023-10-12. Review status: criteria provided, single submitter. Criteria: ACMG Guidelines, 2015. Collection method: clinical testing. Allele origin: unknown. Not counted in ClinVar's aggregate classification.

Myriad Genetics, Inc.
Classification: Pathogenic for Lynch syndrome 4. Last evaluated: 2023-09-21. Review status: criteria provided, single submitter. Criteria: Myriad Autosomal Dominant, Autosomal Recessive and X-Linked Classification Criteria (2023). Collection method: clinical testing. Allele origin: unknown. Not counted in ClinVar's aggregate classification.
Comment: This variant is considered pathogenic. This variant creates a termination codon and is predicted to result in premature protein truncation.

NM_000535.7(PMS2):c.1882C>T (p.Arg628Ter)

Gene: PMS2 (PMS1 homolog 2, mismatch repair system component; minus strand). Cytogenetic location: 7p22.1.
Variant type: single nucleotide variant.
Coding change: c.1882C>T on transcript NM_000535.7 (MANE Select); coding-DNA position 1882, C replaced by T.
Protein change: p.Arg628Ter; replaces arginine 628 with a stop codon.
Molecular consequence: nonsense. On other transcripts: non-coding transcript variant (1).
Genome position (GRCh38, 1-based): chr7:5,986,883, G>A on the plus strand (C>T on the coding strand, the complement: PMS2 is on the minus strand). VCF-style: chr7-5986883-G-A. GRCh37 (hg19) VCF-style: chr7-6026514-G-A.
Other names: c.1477C>T, p.Arg493Ter (NM_001322003.2, NM_001322004.2, NM_001322005.2 and 1 more transcripts); c.1726C>T, p.Arg576Ter (NM_001322006.2); c.1564C>T, p.Arg522Ter (NM_001322007.2, NM_001322008.2); c.1321C>T, p.Arg441Ter (NM_001322010.2); c.949C>T, p.Arg317Ter (NM_001322011.2, NM_001322012.2); c.1309C>T, p.Arg437Ter (NM_001322013.2); c.1882C>T, p.Arg628Ter (NM_001322014.2); c.1573C>T, p.Arg525Ter (NM_001322015.2); short protein forms R628*, R317*, R493*, R522*, R576*, R437*, R441*, R525*.
Identifiers: ClinVar variation 9242 (VCV000009242.50), dbSNP rs63750451, ClinGen allele CA010399.
Genomic context (GRCh38, chr7:5,986,883, plus strand): 5'-ACTTCCTGTAATTCTGTTCCCCTTCACTTTGCTGTGCTTCATGATGTAACTGCTTTATTC[G>A]TTTAGCTAAAGAACTCATAGAAAAGTCCAGGGGCACAACTTTCTTATTAATTTTCACAGC-3'